The following is an entry in ClinVar:

ClinVar aggregate classification (germline): Benign. Review status: criteria provided, multiple submitters, no conflicts (2 of 4 stars). 3 submissions from 3 submitters: Benign (3). Last evaluated 2026-01-05.

Allele frequency attached by ClinVar (database versions not stated): 1000 Genomes Project 30x 0.00016; 1000 Genomes Project 0.00020; ESP Exome Variant Server 0.00062; gnomAD 0.00068 and 0.00069; TOPMed 0.00073; ExAC 0.00106; gnomAD exomes 0.00129.
gnomAD v4.1: 1,406 of 1,613,406 alleles (0.087%); highest among the groups gnomAD compares: Middle Eastern, 0.083%; 5 homozygotes.

Submissions (3):

Labcorp Genetics (formerly Invitae), Labcorp
Classification: Benign. Last evaluated: 2026-01-05. Review status: criteria provided, single submitter. Criteria: Invitae Variant Classification Sherloc (09022015). Collection method: clinical testing. Allele origin: germline.

CeGaT Center for Human Genetics Tuebingen
Classification: Benign. Last evaluated: 2025-09-01. Review status: criteria provided, single submitter. Criteria: CeGaT Center For Human Genetics Tuebingen Variant Classification Criteria Version 2. Collection method: clinical testing. Allele origin: germline. Affected: yes. Observed: 2 variant alleles.
Comment: SOX6: BS1, BS2

Breakthrough Genomics
Classification: Benign. Review status: criteria provided, single submitter. Criteria: ACMG Guidelines, 2015. Collection method: not provided. Allele origin: germline. Inheritance: Autosomal dominant inheritance. Affected: yes.

NM_001367873.1(SOX6):c.202G>A (p.Asp68Asn)

Gene: SOX6 (SRY-box transcription factor 6; minus strand). Cytogenetic location: 11p15.2.
Variant type: single nucleotide variant.
Coding change: c.202G>A on transcript NM_001367873.1 (MANE Select); coding-DNA position 202, G replaced by A.
Protein change: p.Asp68Asn; replaces aspartic acid 68 with asparagine.
Molecular consequence: missense variant.
Genome position (GRCh38, 1-based): chr11:16,341,047, C>T on the plus strand (G>A on the coding strand, the complement: SOX6 is on the minus strand). VCF-style: chr11-16341047-C-T. GRCh37 (hg19) VCF-style: chr11-16362593-C-T.
Other names: c.202G>A, p.Asp68Asn (NM_001145811.2, NM_001145819.2, NM_001367872.1 and 2 more transcripts); short protein forms D68N.
Identifiers: ClinVar variation 1653188 (VCV001653188.19), dbSNP rs142511858, ClinGen allele CA5898500.